The following is an entry in ClinVar:

NM_002432.3(MNDA):c.291A>T (p.Glu97Asp)

Gene: MNDA (myeloid cell nuclear differentiation antigen; plus strand). Cytogenetic location: 1q23.1.
Variant type: single nucleotide variant.
Coding change: c.291A>T on transcript NM_002432.3 (MANE Select); coding-DNA position 291, A replaced by T.
Protein change: p.Glu97Asp; replaces glutamic acid 97 with aspartic acid.
Molecular consequence: missense variant.
Genome position (GRCh38, 1-based): chr1:158,843,304, A>T. VCF-style: chr1-158843304-A-T. GRCh37 (hg19) VCF-style: chr1-158813094-A-T.
Other names: short protein forms E97D.
Identifiers: ClinVar variation 1797670 (VCV001797670.2), dbSNP rs780949374, ClinGen allele CA343038516.
Genomic context (GRCh38, chr1:158,843,304, plus strand): 5'-AGGCCTATTGTGCCCTTTTTCTTTTCTTTTGTCAGTTGCTAAGAAAATTAAAACACAAGA[A>T]AAAGCTCCAGTGAAAAAAATAAACCAGGAAGAAGTGGGTCTTGCGGCACCTGCACCCACC-3'
Protein context (NP_002423.1, residues 87-107): SKVAKKIKTQ[Glu97Asp]KAPVKKINQE

ClinVar aggregate classification (germline): Uncertain significance (1 of 4 stars; one submission).

Submission:

Ambry Genetics
Classification: Uncertain significance. Last evaluated: 2022-10-20. Review status: criteria provided, single submitter. Criteria: Ambry Variant Classification Scheme 2023. Collection method: clinical testing. Allele origin: germline.
Comment: The p.E97D variant (also known as c.291A>T), located in coding exon 2 of the MNDA gene, results from an A to T substitution at nucleotide position 291. The glutamic acid at codon 97 is replaced by aspartic acid, an amino acid with highly similar properties. This amino acid position is conserved. In addition, this alteration is predicted to be tolerated by in silico analysis. Since supporting evidence is limited at this time, the clinical significance of this alteration remains unclear.